The following is an entry in ClinVar:

NM_003072.5(SMARCA4):c.809C>G (p.Pro270Arg)

Gene: SMARCA4 (SWI/SNF related BAF chromatin remodeling complex subunit ATPase 4; plus strand). Cytogenetic location: 19p13.2.
Variant type: single nucleotide variant.
Coding change: c.809C>G on transcript NM_003072.5 (MANE Select); coding-DNA position 809, C replaced by G.
Protein change: p.Pro270Arg; replaces proline 270 with arginine.
Molecular consequence: missense variant. On other transcripts: non-coding transcript variant (1).
Genome position (GRCh38, 1-based): chr19:10,986,953, C>G. VCF-style: chr19-10986953-C-G. GRCh37 (hg19) VCF-style: chr19-11097629-C-G.
Other names: c.809C>G, p.Pro270Arg (NM_001128844.3, NM_001128845.2, NM_001128846.2 and 5 more transcripts); short protein forms P270R.
Identifiers: ClinVar variation 580584 (VCV000580584.8), dbSNP rs1568424897, ClinGen allele CA404058009.

ClinVar aggregate classification (germline): Uncertain significance (1 of 4 stars; one submission).

Conditions:
Rhabdoid tumor predisposition syndrome 2 (RTPS2). Identifiers: Orphanet 231108, Orphanet 69077, MedGen C2750074, MONDO:0013224, OMIM 613325.

Submission:

Labcorp Genetics (formerly Invitae), Labcorp
Classification: Uncertain significance for Rhabdoid tumor predisposition syndrome 2. Last evaluated: 2018-05-11. Review status: criteria provided, single submitter. Criteria: Invitae Variant Classification Sherloc (09022015). Collection method: clinical testing. Allele origin: germline.
Comment: In summary, the available evidence is currently insufficient to determine the role of this variant in disease. Therefore, it has been classified as a Variant of Uncertain Significance. Algorithms developed to predict the effect of missense changes on protein structure and function do not agree on the potential impact of this missense change (SIFT: "Deleterious"; PolyPhen-2: "Benign"; Align-GVGD: "Class C0"). This variant has not been reported in the literature in individuals with SMARCA4-related disease. This variant is not present in population databases (ExAC no frequency). This sequence change replaces proline with arginine at codon 270 of the SMARCA4 protein (p.Pro270Arg). The proline residue is highly conserved and there is a moderate physicochemical difference between proline and arginine.